The following is an entry in ClinVar:

ClinVar aggregate classification (germline): Conflicting classifications of pathogenicity. Review status: criteria provided, conflicting classifications (1 of 4 stars). 3 submissions from 3 submitters: Uncertain significance (2); Likely benign (1). Last evaluated 2025-10-15.

Conditions:
Cerebral arteriopathy, autosomal dominant, with subcortical infarcts and leukoencephalopathy, type 1 (CADASIL1). Also called: Cerebral arteriopathy with subcortical infarcts and leukoencephalopathy 1; CADASIL 1; CASIL; DEMENTIA, HEREDITARY MULTIINFARCT TYPE. Identifiers: Orphanet 136, MedGen C4551768, MONDO:0000914, OMIM 125310.
Inborn genetic diseases. Identifiers: MedGen C0950123, MeSH D030342.

Allele frequency attached by ClinVar (database versions not stated): gnomAD exomes 0.00002 and 0.00001; TOPMed 0.00002; ExAC 0.00003.
gnomAD v4.1: 17 of 1,612,974 alleles (0.0011%); highest among the groups gnomAD compares: South Asian, 0.0088%; no homozygotes.

Submissions (3):

Mayo Clinic Laboratories, Mayo Clinic
Classification: Likely benign. Last evaluated: 2025-10-15. Review status: criteria provided, single submitter. Criteria: ACMG Guidelines, 2015. Collection method: clinical testing. Allele origin: germline. Observed: 1 variant allele.
Comment: BP1, BP4

Ambry Genetics
Classification: Uncertain significance for Inborn genetic diseases. Last evaluated: 2025-07-15. Review status: criteria provided, single submitter. Criteria: Ambry Variant Classification Scheme 2023. Collection method: clinical testing. Allele origin: germline.

Institute of Human Genetics, University of Leipzig Medical Center
Classification: Uncertain significance for Cerebral arteriopathy, autosomal dominant, with subcortical infarcts and leukoencephalopathy, type 1. Last evaluated: 2018-07-09. Review status: criteria provided, single submitter. Criteria: ACMG Guidelines, 2015. Collection method: clinical testing. Allele origin: germline. Affected: yes. Observed: 1 variant allele.

NM_000435.3(NOTCH3):c.2254G>A (p.Asp752Asn)

Gene: NOTCH3 (notch receptor 3; minus strand). Cytogenetic location: 19p13.12.
Variant type: single nucleotide variant.
Coding change: c.2254G>A on transcript NM_000435.3 (MANE Select); coding-DNA position 2254, G replaced by A.
Protein change: p.Asp752Asn; replaces aspartic acid 752 with asparagine.
Molecular consequence: missense variant.
Genome position (GRCh38, 1-based): chr19:15,185,299, C>T on the plus strand (G>A on the coding strand, the complement: NOTCH3 is on the minus strand). VCF-style: chr19-15185299-C-T. GRCh37 (hg19) VCF-style: chr19-15296110-C-T.
Other names: p.Asp752Asn; short protein forms D752N.
Identifiers: ClinVar variation 975965 (VCV000975965.6), dbSNP rs377521258, ClinGen allele CA9263403.